The following is an entry in ClinVar:

NM_000257.4(MYH7):c.1876G>A (p.Gly626Arg)

Gene: MYH7 (myosin heavy chain 7; minus strand). Cytogenetic location: 14q11.2.
Variant type: single nucleotide variant.
Coding change: c.1876G>A on transcript NM_000257.4 (MANE Select); coding-DNA position 1876, G replaced by A.
Protein change: p.Gly626Arg; replaces glycine 626 with arginine.
Molecular consequence: missense variant.
Genome position (GRCh38, 1-based): chr14:23,427,597, C>T on the plus strand (G>A on the coding strand, the complement: MYH7 is on the minus strand). VCF-style: chr14-23427597-C-T. GRCh37 (hg19) VCF-style: chr14-23896806-C-T.
Other names: c.1876G>A (LRG_384t1); short protein forms G626R.
Identifiers: ClinVar variation 235027 (VCV000235027.11), dbSNP rs876661370, ClinGen allele CA10581176.

ClinVar aggregate classification (germline): Uncertain significance. Review status: criteria provided, multiple submitters, no conflicts (2 of 4 stars). 3 submissions from 3 submitters: Uncertain significance (3). Last evaluated 2022-03-08.

Conditions:
Cardiovascular phenotype. Identifiers: MedGen CN230736.
Hypertrophic cardiomyopathy. Also called: HYPERTROPHIC MYOCARDIOPATHY. Identifiers: Orphanet 217569, MedGen C0007194, MeSH D002312, MONDO:0005045, HP:0001639.

Submissions (3):

Labcorp Genetics (formerly Invitae), Labcorp
Classification: Uncertain significance for Hypertrophic cardiomyopathy. Last evaluated: 2022-03-08. Review status: criteria provided, single submitter. Criteria: Invitae Variant Classification Sherloc (09022015). Collection method: clinical testing. Allele origin: germline.
Comment: This variant has not been reported in the literature in individuals affected with MYH7-related conditions. This sequence change replaces glycine, which is neutral and non-polar, with arginine, which is basic and polar, at codon 626 of the MYH7 protein (p.Gly626Arg). This variant is not present in population databases (gnomAD no frequency). ClinVar contains an entry for this variant (Variation ID: 235027). An algorithm developed specifically for the MYH7 gene suggests that this missense change is likely to be tolerated (PMID: 21310275). Algorithms developed to predict the effect of sequence changes on RNA splicing suggest that this variant may create or strengthen a splice site. In summary, the available evidence is currently insufficient to determine the role of this variant in disease. Therefore, it has been classified as a Variant of Uncertain Significance.

Ambry Genetics
Classification: Uncertain significance for Cardiovascular phenotype. Last evaluated: 2012-11-30. Review status: criteria provided, single submitter. Criteria: Ambry Autosomal Dominant and X-Linked criteria (10/2015). Collection method: clinical testing. Allele origin: germline. Observed: 1 variant allele.
Comment: There is insufficient or conflicting evidence for classification of this alteration.

Stanford Center for Inherited Cardiovascular Disease, Stanford University
Classification: Uncertain significance. Last evaluated: 2011-08-05. Review status: criteria provided, single submitter. Criteria: ACMG Guidelines, 2015. Collection method: provider interpretation. Allele origin: germline.

Literature cited by the submitters: PubMed 21310275 (cited by Labcorp Genetics (formerly Invitae), Labcorp).